The following is an entry in ClinVar:

ClinVar aggregate classification (germline): Uncertain significance. Review status: criteria provided, multiple submitters, no conflicts (2 of 4 stars). 7 submissions from 7 submitters: Uncertain significance (7). Last evaluated 2025-12-04.

Conditions:
Cardiovascular phenotype. Identifiers: MedGen CN230736.
Left ventricular noncompaction 10 (LVNC10). Identifiers: Orphanet 154, Orphanet 54260, MedGen C3715165, MONDO:0014163, OMIM 615396.
Hypertrophic cardiomyopathy 4. Also called: Familial hypertrophic cardiomyopathy 4. Identifiers: MedGen C1861862, MONDO:0007268, OMIM 115197.
Cardiomyopathy (CMYO). Also called: Cardiomyopathies. Identifiers: Orphanet 167848, MedGen C0878544, MONDO:0004994, HP:0001638. Inheritance: Various modes of inheritance.
Hypertrophic cardiomyopathy. Also called: HYPERTROPHIC MYOCARDIOPATHY. Identifiers: Orphanet 217569, MedGen C0007194, MeSH D002312, MONDO:0005045, HP:0001639.

Allele frequency attached by ClinVar (database versions not stated): gnomAD exomes below 0.00001; gnomAD 0.00001; TOPMed 0.00001.
gnomAD v4.1: 28 of 1,613,390 alleles (0.0017%); highest among the groups gnomAD compares: Non-Finnish European, 0.0023%; no homozygotes.

Submissions (7):

Labcorp Genetics (formerly Invitae), Labcorp
Classification: Uncertain significance for Hypertrophic cardiomyopathy. Last evaluated: 2025-12-04. Review status: criteria provided, single submitter. Criteria: Invitae Variant Classification Sherloc (09022015). Collection method: clinical testing. Allele origin: germline.
Comment: This sequence change replaces valine, which is neutral and non-polar, with leucine, which is neutral and non-polar, at codon 241 of the MYBPC3 protein (p.Val241Leu). This variant is present in population databases (no rsID available, gnomAD 0.0009%). This missense change has been observed in individual(s) with clinical features of hypertrophic cardiomyopathy (PMID: 33495597; internal data). ClinVar contains an entry for this variant (Variation ID: 263980). An algorithm developed to predict the effect of missense changes on protein structure and function (PolyPhen-2) suggests that this variant is likely to be disruptive. In summary, the available evidence is currently insufficient to determine the role of this variant in disease. Therefore, it has been classified as a Variant of Uncertain Significance.

Ambry Genetics
Classification: Uncertain significance for Cardiovascular phenotype. Last evaluated: 2025-09-28. Review status: criteria provided, single submitter. Criteria: Ambry Variant Classification Scheme 2023. Collection method: clinical testing. Allele origin: germline.

All of Us Research Program, National Institutes of Health
Classification: Uncertain significance for Hypertrophic cardiomyopathy. Last evaluated: 2024-08-06. Review status: criteria provided, single submitter. Criteria: ACMG Guidelines, 2015. Collection method: clinical testing. Allele origin: germline. Inheritance: Autosomal dominant inheritance. Observed: 5 variant alleles, 5 heterozygotes.
Comment: This missense variant replaces valine with leucine at codon 241 of the MYBPC3 protein. Computational prediction is inconclusive regarding the impact of this variant on protein structure and function (internally defined REVEL score threshold 0.5 < inconclusive < 0.7, PMID: 27666373). Splice site prediction tools suggest that this variant may not impact RNA splicing. To our knowledge, functional studies have not been performed for this variant. This variant has not been reported in individuals affected with cardiovascular disorders in the literature. This variant has been identified in 1/247588 chromosomes in the general population by the Genome Aggregation Database (gnomAD). The available evidence is insufficient to determine the role of this variant in disease conclusively. Therefore, this variant is classified as a Variant of Uncertain Significance.

This study involves interpretation of variants in research participants for the purpose of population health screening. Participant phenotype was not available at the time of variant classification. Additional details can be found in publication PMID: 35346344, PMCID: PMC8962531

Color Diagnostics, LLC DBA Color Health
Classification: Uncertain significance for Cardiomyopathy. Last evaluated: 2024-03-20. Review status: criteria provided, single submitter. Criteria: ACMG Guidelines, 2015. Collection method: clinical testing. Allele origin: germline.
Comment: This missense variant replaces valine with leucine at codon 241 of the MYBPC3 protein. Computational prediction tools indicate that this variant has a deleterious impact on protein structure and function. To our knowledge, functional studies have not been reported for this variant. This variant has been reported in one individual affected with hypertrophic cardiomyopathy (PMID: 33495597). This variant has been identified in 1/247588 chromosomes in the general population by the Genome Aggregation Database (gnomAD). The available evidence is insufficient to determine the role of this variant in disease conclusively. Therefore, this variant is classified as a Variant of Uncertain Significance.

Blueprint Genetics
Classification: Uncertain significance. Last evaluated: 2021-10-14. Review status: criteria provided, single submitter. Criteria: ACMG Guidelines, 2015. Collection method: clinical testing. Allele origin: germline.

Fulgent Genetics
Classification: Uncertain significance for Hypertrophic cardiomyopathy 4; Left ventricular noncompaction 10. Last evaluated: 2021-10-12. Review status: criteria provided, single submitter. Criteria: ACMG Guidelines, 2015. Collection method: clinical testing. Allele origin: unknown.

GeneDx
Classification: Uncertain significance. Last evaluated: 2019-11-13. Review status: criteria provided, single submitter. Criteria: GeneDx Variant Classification Process June 2021. Collection method: clinical testing. Allele origin: germline. Affected: yes.
Comment: Has not been previously published as pathogenic or benign to our knowledge; Not observed at a significant frequency in large population cohorts (Lek et al., 2016); Reported in ClinVar (ClinVar Variant ID# 263980; Landrum et al., 2016); In silico analysis, which includes protein predictors and evolutionary conservation, supports a deleterious effect

Literature cited by the submitters: PubMed 33495597 (cited by Labcorp Genetics (formerly Invitae), Labcorp and Color Diagnostics, LLC DBA Color Health).

NM_000256.3(MYBPC3):c.721G>C (p.Val241Leu)

Gene: MYBPC3 (myosin binding protein C3; minus strand). Cytogenetic location: 11p11.2.
Variant type: single nucleotide variant.
Coding change: c.721G>C on transcript NM_000256.3 (MANE Select); coding-DNA position 721, G replaced by C.
Protein change: p.Val241Leu; replaces valine 241 with leucine.
Molecular consequence: missense variant.
Genome position (GRCh38, 1-based): chr11:47,348,475, C>G on the plus strand (G>C on the coding strand, the complement: MYBPC3 is on the minus strand). VCF-style: chr11-47348475-C-G. GRCh37 (hg19) VCF-style: chr11-47370026-C-G.
Other names: c.721G>C, p.Val241Leu (LRG_386t1); short protein forms V241L.
Identifiers: ClinVar variation 263980 (VCV000263980.23), dbSNP rs886039000, ClinGen allele CA10587730.